The following is an entry in ClinVar:

GRCh38/hg38 11q13.2(chr11:67590733-67698250)x3

Genes: ACY3 (aminoacylase 3; minus strand), ALDH3B2 (aldehyde dehydrogenase 3 family member B2; minus strand), NDUFV1 (NADH:ubiquinone oxidoreductase core subunit V1; plus strand), NDUFV1-DT (NDUFV1 divergent transcript; minus strand), NUDT8 (nudix hydrolase 8; minus strand) and 18 more. Cytogenetic location: 11q13.2.
Variant type: copy number gain.
Change: copy number 3 (three copies instead of two) of chr11:67,590,733-67,698,250 (107.5 kb, GRCh38 coordinates, 1-based), cytogenetic band 11q13.2.
Identifiers: ClinVar variation 57210 (VCV000057210.1).

ClinVar aggregate classification (germline): Uncertain significance (1 of 4 stars; one submission).

Submission:

ISCA site 4
Classification: Uncertain significance. Last evaluated: 2011-08-12. Review status: criteria provided, single submitter. Criteria: Kaminsky et al. (Genet Med. 2011). Collection method: clinical testing. Allele origin: paternal. Affected: yes. Observed: 1 variant allele.
Comment: Copy number variation identified through the course of routine clinical cytogenomic testing in postnatal populations. Clinical assertions have been curated as described in Kaminsky et al. 2011.